The following is an entry in ClinVar:

NM_133433.4(NIPBL):c.2900G>A (p.Gly967Asp)

Gene: NIPBL (NIPBL cohesin loading factor; plus strand). Cytogenetic location: 5p13.2.
Variant type: single nucleotide variant.
Coding change: c.2900G>A on transcript NM_133433.4 (MANE Select); coding-DNA position 2900, G replaced by A.
Protein change: p.Gly967Asp; replaces glycine 967 with aspartic acid.
Molecular consequence: missense variant.
Genome position (GRCh38, 1-based): chr5:36,986,080, G>A. VCF-style: chr5-36986080-G-A. GRCh37 (hg19) VCF-style: chr5-36986182-G-A.
Other names: c.2900G>A, p.Gly967Asp (NM_015384.5); short protein forms G967D.
Identifiers: ClinVar variation 3347364 (VCV003347364.1).

ClinVar aggregate classification (germline): Uncertain significance (0 of 4 stars; one submission).

Conditions:
NIPBL-related disorder. Also called: NIPBL-related condition.

Submission:

PreventionGenetics, part of Exact Sciences
Classification: Uncertain significance for NIPBL-related condition. Last evaluated: 2024-05-16. Review status: no assertion criteria provided. Collection method: clinical testing. Allele origin: germline.
Comment: The NIPBL c.2900G>A variant is predicted to result in the amino acid substitution p.Gly967Asp. To our knowledge, this variant has not been reported in the literature or in a large population database, indicating this variant is rare. At this time, the clinical significance of this variant is uncertain due to the absence of conclusive functional and genetic evidence.